The following is an entry in ClinVar:

ClinVar aggregate classification (germline): Uncertain significance (1 of 4 stars; one submission).

Conditions:
Cardiovascular phenotype. Identifiers: MedGen CN230736.

gnomAD v4.1: 1 of 1,610,440 alleles (0.000062%); highest among the groups gnomAD compares: Non-Finnish European, 0.000085%; no homozygotes.

Submission:

Ambry Genetics
Classification: Uncertain significance for Cardiovascular phenotype. Last evaluated: 2024-12-03. Review status: criteria provided, single submitter. Criteria: Ambry Variant Classification Scheme 2023. Collection method: clinical testing. Allele origin: germline.
Comment: The p.L1116W variant (also known as c.3347T>G), located in coding exon 31 of the MYBPC3 gene, results from a T to G substitution at nucleotide position 3347. The leucine at codon 1116 is replaced by tryptophan, an amino acid with similar properties. This variant was reported in a hypertrophic cardiomyopathy (HCM) cohort, but clinical details were limited (Bonaventura J et al. J Am Heart Assoc, 2024 May;13:e033565). This amino acid position is not well conserved in available vertebrate species. In addition, the in silico prediction for this alteration is inconclusive. Based on the available evidence, the clinical significance of this variant remains unclear.

Literature cited by the submitters: PubMed 38757491.

NM_000256.3(MYBPC3):c.3347T>G (p.Leu1116Trp)

Gene: MYBPC3 (myosin binding protein C3; minus strand). Cytogenetic location: 11p11.2.
Variant type: single nucleotide variant.
Coding change: c.3347T>G on transcript NM_000256.3 (MANE Select); coding-DNA position 3347, T replaced by G.
Protein change: p.Leu1116Trp; replaces leucine 1116 with tryptophan.
Molecular consequence: missense variant.
Genome position (GRCh38, 1-based): chr11:47,332,957, A>C on the plus strand (T>G on the coding strand, the complement: MYBPC3 is on the minus strand). VCF-style: chr11-47332957-A-C. GRCh37 (hg19) VCF-style: chr11-47354508-A-C.
Other names: short protein forms L1116W.
Identifiers: ClinVar variation 3400430 (VCV003400430.1).